The following is an entry in ClinVar:

ClinVar aggregate classification (germline): Uncertain significance (1 of 4 stars; one submission).

gnomAD v4.1: 3 of 1,613,636 alleles (0.00019%); highest among the groups gnomAD compares: East Asian, 0.0022%; no homozygotes.

Submission:

Women's Health and Genetics/Laboratory Corporation of America, LabCorp
Classification: Uncertain significance. Last evaluated: 2026-02-18. Review status: criteria provided, single submitter. Criteria: LabCorp Variant Classification Summary - May 2015. Collection method: clinical testing. Allele origin: germline.
Comment: Variant summary: CYFIP2 c.1219G>A (p.Val407Ile) results in a conservative amino acid change in the encoded protein sequence. Algorithms developed to predict the effect of missense changes on protein structure and function are either unavailable or do not agree on the potential impact of this missense change. The variant allele was found at a frequency of 8e-06 in 248688 control chromosomes. The available data on variant occurrences in the general population are insufficient to allow any conclusion about variant significance. To our knowledge, no occurrence of c.1219G>A in individuals affected with CYFIP2-related conditions and no experimental evidence demonstrating its impact on protein function have been reported. No submitters have cited clinical-significance assessments for this variant to ClinVar. Based on the evidence outlined above, the variant was classified as uncertain significance.

NM_001037333.3(CYFIP2):c.1219G>A (p.Val407Ile)

Gene: CYFIP2 (cytoplasmic FMR1 interacting protein 2; plus strand). Cytogenetic location: 5q33.3.
Variant type: single nucleotide variant.
Coding change: c.1219G>A on transcript NM_001037333.3 (MANE Select); coding-DNA position 1219, G replaced by A.
Protein change: p.Val407Ile; replaces valine 407 with isoleucine.
Molecular consequence: missense variant.
Genome position (GRCh38, 1-based): chr5:157,314,452, G>A. VCF-style: chr5-157314452-G-A. GRCh37 (hg19) VCF-style: chr5-156741460-G-A.
Other names: c.1141G>A, p.Val381Ile (NM_001291721.2); c.1219G>A, p.Val407Ile (NM_001291722.2, NM_014376.4); short protein forms V381I, V407I.
Identifiers: ClinVar variation 4848257 (VCV004848257.1).